The following is an entry in ClinVar:

NM_001242896.3(DEPDC5):c.55A>G (p.Ser19Gly)

Gene: DEPDC5 (DEP domain containing 5, GATOR1 subcomplex subunit; plus strand). Cytogenetic location: 22q12.2.
Variant type: single nucleotide variant.
Coding change: c.55A>G on transcript NM_001242896.3 (MANE Select); coding-DNA position 55, A replaced by G.
Protein change: p.Ser19Gly; replaces serine 19 with glycine.
Molecular consequence: missense variant. On other transcripts: non-coding transcript variant (5).
Genome position (GRCh38, 1-based): chr22:31,754,976, A>G. VCF-style: chr22-31754976-A-G. GRCh37 (hg19) VCF-style: chr22-32150962-A-G.
Other names: c.55A>G, p.Ser19Gly (NM_001007188.4, NM_001136029.4, NM_001242897.2 and 9 more transcripts); short protein forms S19G.
Identifiers: ClinVar variation 3644060 (VCV003644060.2).

ClinVar aggregate classification (germline): Uncertain significance (1 of 4 stars; one submission).

Conditions:
Familial focal epilepsy with variable foci (FPEVF). Identifiers: Orphanet 98820, MedGen C1858477, MONDO:0020310.

Submission:

Labcorp Genetics (formerly Invitae), Labcorp
Classification: Uncertain significance for Familial focal epilepsy with variable foci. Last evaluated: 2024-06-03. Review status: criteria provided, single submitter. Criteria: Invitae Variant Classification Sherloc (09022015). Collection method: clinical testing. Allele origin: germline.
Comment: This sequence change replaces serine, which is neutral and polar, with glycine, which is neutral and non-polar, at codon 19 of the DEPDC5 protein (p.Ser19Gly). This variant is not present in population databases (gnomAD no frequency). This variant has not been reported in the literature in individuals affected with DEPDC5-related conditions. Experimental studies and prediction algorithms are not available or were not evaluated, and the functional significance of this variant is currently unknown. Algorithms developed to predict the effect of sequence changes on RNA splicing suggest that this variant may disrupt the consensus splice site. In summary, the available evidence is currently insufficient to determine the role of this variant in disease. Therefore, it has been classified as a Variant of Uncertain Significance.